The following is an entry in ClinVar:

ClinVar aggregate classification (germline): Uncertain significance. Review status: criteria provided, multiple submitters, no conflicts (2 of 4 stars). 2 submissions from 2 submitters: Uncertain significance (2). Last evaluated 2024-04-05.

Conditions:
Neuropathy, hereditary sensory, type 2C. Also called: KIF1A-Related HSAN2 (HSAN2C); Hereditary sensory and autonomic neuropathy type IIC. Identifiers: Orphanet 970, MedGen C3280168, MONDO:0013634, OMIM 614213.
Intellectual disability, autosomal dominant 9 (NESCAVS). Also called: NESCAV SYNDROME; KIF1A-Related Neurodevelopmental Disorder. Identifiers: Orphanet 662367, MedGen C5393830, MONDO:0013656, OMIM 614255.
Hereditary spastic paraplegia 30. Identifiers: Orphanet 101010, MedGen C5235139, MONDO:0012476.

Allele frequency attached by ClinVar (database versions not stated): gnomAD 0.00001; gnomAD exomes 0.00001; TOPMed 0.00001.
gnomAD v4.1: 19 of 1,613,438 alleles (0.0012%); highest among the groups gnomAD compares: Non-Finnish European, 0.0016%; no homozygotes.

Submissions (2):

Labcorp Genetics (formerly Invitae), Labcorp
Classification: Uncertain significance for Hereditary spastic paraplegia 30; Neuropathy, hereditary sensory, type 2C; Intellectual disability, autosomal dominant 9. Last evaluated: 2024-04-05. Review status: criteria provided, single submitter. Criteria: Invitae Variant Classification Sherloc (09022015). Collection method: clinical testing. Allele origin: germline.
Comment: This sequence change replaces alanine, which is neutral and non-polar, with threonine, which is neutral and polar, at codon 445 of the KIF1A protein (p.Ala445Thr). This variant is not present in population databases (gnomAD no frequency). This variant has not been reported in the literature in individuals affected with KIF1A-related conditions. ClinVar contains an entry for this variant (Variation ID: 640897). Advanced modeling of protein sequence and biophysical properties (such as structural, functional, and spatial information, amino acid conservation, physicochemical variation, residue mobility, and thermodynamic stability) performed at Invitae indicates that this missense variant is expected to disrupt KIF1A protein function with a positive predictive value of 95%. In summary, the available evidence is currently insufficient to determine the role of this variant in disease. Therefore, it has been classified as a Variant of Uncertain Significance.

Women's Health and Genetics/Laboratory Corporation of America, LabCorp
Classification: Uncertain significance. Last evaluated: 2021-11-11. Review status: criteria provided, single submitter. Criteria: LabCorp Variant Classification Summary - May 2015. Collection method: clinical testing. Allele origin: germline.
Comment: Variant summary: KIF1A c.1333G>A (p.Ala445Thr) results in a non-conservative amino acid change in the encoded protein sequence. Four of five in-silico tools predict a damaging effect of the variant on protein function. The variant was absent in 248238 control chromosomes. The available data on variant occurrences in the general population are insufficient to allow any conclusion about variant significance. To our knowledge, no occurrence of c.1333G>A in individuals affected with NESCAV Syndrome/Hereditary Sensory And Autonomic Neuropathy Type IIC/Spastic paraplegia type 30 and no experimental evidence demonstrating its impact on protein function have been reported. One clinical diagnostic laboratory has submitted clinical-significance assessments for this variant to ClinVar after 2014 without evidence for independent evaluation and classified the variant as uncertain significance. Based on the evidence outlined above, the variant was classified as uncertain significance.

NM_001244008.2(KIF1A):c.1360G>A (p.Ala454Thr)

Gene: KIF1A (kinesin family member 1A; minus strand). Cytogenetic location: 2q37.3.
Variant type: single nucleotide variant.
Coding change: c.1360G>A on transcript NM_001244008.2 (MANE Select); coding-DNA position 1360, G replaced by A.
Protein change: p.Ala454Thr; replaces alanine 454 with threonine.
Molecular consequence: missense variant.
Genome position (GRCh38, 1-based): chr2:240,769,688, C>T on the plus strand (G>A on the coding strand, the complement: KIF1A is on the minus strand). VCF-style: chr2-240769688-C-T. GRCh37 (hg19) VCF-style: chr2-241709105-C-T.
Other names: c.1360G>A, p.Ala454Thr (NM_001320705.2, NM_001330289.2, NM_001379638.1); c.1435G>A, p.Ala479Thr (NM_001330290.2, NM_001379631.1, NM_001379634.1 and 2 more transcripts); c.1333G>A, p.Ala445Thr (NM_001379632.1, NM_001379633.1, NM_001379636.1 and 10 more transcripts); c.1408G>A, p.Ala470Thr (NM_001379637.1, NM_001379648.1); short protein forms A454T, A479T, A445T, A470T.
Identifiers: ClinVar variation 640897 (VCV000640897.10), dbSNP rs1575598898, ClinGen allele CA351329938.